The following is an entry in ClinVar:

NC_000019.10:g.(?_49157857)_(49166225_?)del

Gene: TRPM4 (transient receptor potential cation channel subfamily M member 4; plus strand). Cytogenetic location: 19q13.33.
Variant type: Deletion.
Identifiers: ClinVar variation 831664 (VCV000831664.2).

ClinVar aggregate classification (germline): Uncertain significance (1 of 4 stars; one submission).

Conditions:
Progressive familial heart block type IB (PFHB1B). Identifiers: Orphanet 871, MedGen C1970298, MONDO:0011474, OMIM 604559.

Submission:

Labcorp Genetics (formerly Invitae), Labcorp
Classification: Uncertain significance for Progressive familial heart block type 1B. Last evaluated: 2019-10-16. Review status: criteria provided, single submitter. Criteria: Invitae Variant Classification Sherloc (09022015). Collection method: clinical testing. Allele origin: germline.
Comment: This variant is a gross deletion of the genomic region encompassing exons 1-3 of the TRPM4 gene, which includes the initiator codon. The 5' end of this event is unknown as it extends beyond the assayed region for this gene and therefore may encompass additional genes. The 3' boundary is likely confined to intron 3 of the TRPM4 gene. This is expected to result in an absent or disrupted protein product. This variant has not been reported in the literature in individuals with TRPM4-related conditions. The current clinical and genetic evidence is not sufficient to establish whether loss-of-function variants in TRPM4 cause disease. In summary, the available evidence is currently insufficient to determine the role of this variant in disease. Therefore, it has been classified as a Variant of Uncertain Significance.